The following is an entry in ClinVar:

ClinVar aggregate classification (germline): Likely benign. Review status: criteria provided, multiple submitters, no conflicts (2 of 4 stars). 4 submissions from 4 submitters: Likely benign (3). 1 of the submissions does not count toward it. Last evaluated 2025-02-11.

Conditions:
Mucopolysaccharidosis type 1. Also called: IDUA deficiency; MPS I; Mucopolysaccharidosis Type I. Identifiers: Orphanet 579, MedGen C0023786, MONDO:0001586.
IDUA-related disorder. Also called: IDUA-related condition.

Allele frequency attached by ClinVar (database versions not stated): TOPMed below 0.00001; gnomAD 0.00001; gnomAD exomes 0.00002.

Submissions (4):

PreventionGenetics, part of Exact Sciences
Classification: Likely benign for IDUA-related condition. Last evaluated: 2025-02-11. Review status: criteria provided, single submitter. Criteria: ACMG Guidelines, 2015. Collection method: clinical testing. Allele origin: germline.
Comment: This variant is classified as likely benign based on ACMG/AMP sequence variant interpretation guidelines (Richards et al. 2015 PMID: 25741868, with internal and published modifications).

Blueprint Genetics
Classification: Likely benign. Last evaluated: 2024-08-14. Review status: criteria provided, single submitter. Criteria: ACMG Guidelines, 2015. Collection method: clinical testing. Allele origin: germline.

Labcorp Genetics (formerly Invitae), Labcorp
Classification: Likely benign for Mucopolysaccharidosis type 1. Last evaluated: 2024-02-16. Review status: criteria provided, single submitter. Criteria: Invitae Variant Classification Sherloc (09022015). Collection method: clinical testing. Allele origin: germline.

Natera, Inc.
Classification: Uncertain significance for Mucopolysaccharidosis type I. Last evaluated: 2020-08-15. Review status: no assertion criteria provided. Collection method: clinical testing. Allele origin: germline. Not counted in ClinVar's aggregate classification.

NM_000203.5(IDUA):c.357C>T (p.Asp119=)

Gene: IDUA (alpha-L-iduronidase; plus strand). Cytogenetic location: 4p16.3.
Variant type: single nucleotide variant.
Coding change: c.357C>T on transcript NM_000203.5 (MANE Select); coding-DNA position 357, C replaced by T.
Protein change: p.Asp119=; no amino-acid change (aspartic acid 119 retained).
Molecular consequence: synonymous variant. On other transcripts: 5 prime UTR variant (1), non-coding transcript variant (1).
Genome position (GRCh38, 1-based): chr4:1,000,669, C>T. VCF-style: chr4-1000669-C-T. GRCh37 (hg19) VCF-style: chr4-994457-C-T.
Other names: c.-40C>T (NM_001363576.1).
Identifiers: ClinVar variation 743129 (VCV000743129.13), dbSNP rs1262464994, ClinGen allele CA437918177.